The following is an entry in ClinVar:

NM_014727.3(KMT2B):c.2621A>C (p.His874Pro)

Gene: KMT2B (lysine methyltransferase 2B; plus strand). Cytogenetic location: 19q13.12.
Variant type: single nucleotide variant.
Coding change: c.2621A>C on transcript NM_014727.3 (MANE Select); coding-DNA position 2621, A replaced by C.
Protein change: p.His874Pro; replaces histidine 874 with proline.
Molecular consequence: missense variant.
Genome position (GRCh38, 1-based): chr19:35,722,617, A>C. VCF-style: chr19-35722617-A-C. GRCh37 (hg19) VCF-style: chr19-36213519-A-C.
Other names: short protein forms H874P.
Identifiers: ClinVar variation 4746109 (VCV004746109.1).
Genomic context (GRCh38, chr19:35,722,617, plus strand): 5'-TTCTCCCCCAGGGTCCCGAGTCCCCTGTGCAAGGTCCCCGCATCAAACATGTCTGCCGTC[A>C]TGCTGCTGTGGCCCTGGGTCAGGCCCGGGCCATGGTGCCTGAAGATGTCCCTCGCCTCAG-3'
Protein context (NP_055542.1, residues 864-884): QGPRIKHVCR[His874Pro]AAVALGQARA

ClinVar aggregate classification (germline): Uncertain significance (1 of 4 stars; one submission).

gnomAD v4.1: 1 of 1,612,458 alleles (0.000062%); highest among the groups gnomAD compares: Non-Finnish European, 0.000085%; no homozygotes.

Submission:

Labcorp Genetics (formerly Invitae), Labcorp
Classification: Uncertain significance. Last evaluated: 2025-10-21. Review status: criteria provided, single submitter. Criteria: Invitae Variant Classification Sherloc (09022015). Collection method: clinical testing. Allele origin: germline.
Comment: This sequence change replaces histidine, which is basic and polar, with proline, which is neutral and non-polar, at codon 874 of the KMT2B protein (p.His874Pro). This variant is not present in population databases (gnomAD no frequency). This variant has not been reported in the literature in individuals affected with KMT2B-related conditions. Invitae Evidence Modeling of protein sequence and biophysical properties (such as structural, functional, and spatial information, amino acid conservation, physicochemical variation, residue mobility, and thermodynamic stability) has been performed for this missense variant. However, the output from this modeling did not meet the statistical confidence thresholds required to predict the impact of this variant on KMT2B protein function. In summary, the available evidence is currently insufficient to determine the role of this variant in disease. Therefore, it has been classified as a Variant of Uncertain Significance.